The following is an entry in ClinVar:

NC_000003.11:g.(?_100945813)_(101484395_?)del

Genes: CEP97 (centrosomal protein 97; plus strand), IMPG2 (interphotoreceptor matrix proteoglycan 2; minus strand), PCNP (PEST proteolytic signal containing nuclear protein; plus strand), RPL24 (ribosomal protein L24; minus strand), SENP7 (SUMO specific peptidase 7; minus strand) and 2 more. Cytogenetic location: 3q12.3.
Variant type: Deletion.
Identifiers: ClinVar variation 1423156 (VCV001423156.5).

ClinVar aggregate classification (germline): Pathogenic (1 of 4 stars; one submission).

Submission:

Labcorp Genetics (formerly Invitae), Labcorp
Classification: Pathogenic. Last evaluated: 2022-10-13. Review status: criteria provided, single submitter. Criteria: Invitae Variant Classification Sherloc (09022015). Collection method: clinical testing. Allele origin: germline.
Comment: This variant has not been reported in the literature in individuals affected with IMPG2-related conditions. A gross deletion of the genomic region encompassing the full coding sequence of the IMPG2 gene has been identified. Loss-of-function variants in IMPG2 are known to be pathogenic (PMID: 20673862). The boundaries of this event are unknown as they extend beyond the assayed region for this gene and therefore may encompass additional genes. For these reasons, this variant has been classified as Pathogenic.

Literature cited by the submitters: PubMed 20673862.